The following is an entry in ClinVar:

ClinVar aggregate classification (germline): Uncertain significance (0 of 4 stars; one submission).

Conditions:
TBX18-related disorder. Also called: TBX18-related condition.

Submission:

PreventionGenetics, part of Exact Sciences
Classification: Uncertain significance for TBX18-related condition. Last evaluated: 2024-08-05. Review status: no assertion criteria provided. Collection method: clinical testing. Allele origin: germline.
Comment: The TBX18 c.1184G>A variant is predicted to result in the amino acid substitution p.Cys395Tyr. To our knowledge, this variant has not been reported in the literature or in a large population database, indicating this variant is rare. At this time, the clinical significance of this variant is uncertain due to the absence of conclusive functional and genetic evidence.

NM_001080508.3(TBX18):c.1184G>A (p.Cys395Tyr)

Gene: TBX18 (T-box transcription factor 18; minus strand). Cytogenetic location: 6q14.3.
Variant type: single nucleotide variant.
Coding change: c.1184G>A on transcript NM_001080508.3 (MANE Select); coding-DNA position 1184, G replaced by A.
Protein change: p.Cys395Tyr; replaces cysteine 395 with tyrosine.
Molecular consequence: missense variant.
Genome position (GRCh38, 1-based): chr6:84,737,325, C>T on the plus strand (G>A on the coding strand, the complement: TBX18 is on the minus strand). VCF-style: chr6-84737325-C-T. GRCh37 (hg19) VCF-style: chr6-85447043-C-T.
Other names: short protein forms C395Y.
Identifiers: ClinVar variation 3345677 (VCV003345677.1).